The following is an entry in ClinVar:

ClinVar aggregate classification (germline): Uncertain significance (1 of 4 stars; one submission).

Conditions:
Pheochromocytoma/paraganglioma syndrome 5. Also called: Paragangliomas 5; SDHA-Related Hereditary Paraganglioma-Pheochromocytoma Syndrome. Identifiers: Orphanet 29072, MedGen C3279992, MONDO:0013602, OMIM 614165.
Mitochondrial complex II deficiency, nuclear type 1. Also called: SUCCINATE CoQ REDUCTASE DEFICIENCY. Identifiers: Orphanet 3208, MedGen C5700310, MONDO:0100294, OMIM 252011.

Submission:

Labcorp Genetics (formerly Invitae), Labcorp
Classification: Uncertain significance for Pheochromocytoma/paraganglioma syndrome 5; Mitochondrial complex II deficiency, nuclear type 1. Last evaluated: 2024-09-21. Review status: criteria provided, single submitter. Criteria: Invitae Variant Classification Sherloc (09022015). Collection method: clinical testing. Allele origin: germline.
Comment: This sequence change replaces arginine, which is basic and polar, with threonine, which is neutral and polar, at codon 162 of the SDHA protein (p.Arg162Thr). This variant is not present in population databases (gnomAD no frequency). This variant has not been reported in the literature in individuals affected with SDHA-related conditions. ClinVar contains an entry for this variant (Variation ID: 661595). Invitae Evidence Modeling of protein sequence and biophysical properties (such as structural, functional, and spatial information, amino acid conservation, physicochemical variation, residue mobility, and thermodynamic stability) has been performed for this missense variant. However, the output from this modeling did not meet the statistical confidence thresholds required to predict the impact of this variant on SDHA protein function. In summary, the available evidence is currently insufficient to determine the role of this variant in disease. Therefore, it has been classified as a Variant of Uncertain Significance.

NM_004168.4(SDHA):c.485G>C (p.Arg162Thr)

Gene: SDHA (succinate dehydrogenase complex flavoprotein subunit A; plus strand). Cytogenetic location: 5p15.33.
Variant type: single nucleotide variant.
Coding change: c.485G>C on transcript NM_004168.4 (MANE Select); coding-DNA position 485, G replaced by C.
Protein change: p.Arg162Thr; replaces arginine 162 with threonine.
Molecular consequence: missense variant.
Genome position (GRCh38, 1-based): chr5:225,911, G>C. VCF-style: chr5-225911-G-C. GRCh37 (hg19) VCF-style: chr5-226026-G-C.
Other names: c.341G>C, p.Arg114Thr (NM_001294332.2); c.485G>C, p.Arg162Thr (NM_001330758.2); short protein forms R114T, R162T.
Identifiers: ClinVar variation 661595 (VCV000661595.9), dbSNP rs1579385540, ClinGen allele CA359009951.
Genomic context (GRCh38, chr5:225,911, plus strand): 5'-TTAAGGTTTTTGTTTGTTTTTATCTTTCACAGCTAGAAAATTATGGCATGCCGTTTAGCA[G>C]AACTGAAGATGGGAAGATTTATCAGCGTGCATTTGGTGGACAGAGCCTCAAGTTTGGAAA-3'
Protein context (NP_004159.2, residues 152-172): ELENYGMPFS[Arg162Thr]TEDGKIYQRA